The following is an entry in ClinVar:

NM_004004.6(GJB2):c.488T>C (p.Met163Thr)

Gene: GJB2 (gap junction protein beta 2; minus strand). Cytogenetic location: 13q12.11.
Variant type: single nucleotide variant.
Coding change: c.488T>C on transcript NM_004004.6 (MANE Select); coding-DNA position 488, T replaced by C.
Protein change: p.Met163Thr; replaces methionine 163 with threonine.
Molecular consequence: missense variant.
Genome position (GRCh38, 1-based): chr13:20,189,094, A>G on the plus strand (T>C on the coding strand, the complement: GJB2 is on the minus strand). VCF-style: chr13-20189094-A-G. GRCh37 (hg19) VCF-style: chr13-20763233-A-G.
Other names: short protein forms M163T.
Identifiers: ClinVar variation 449488 (VCV000449488.11), dbSNP rs1273330603, ClinGen allele CA387461043.
Genomic context (GRCh38, chr13:20,189,094, plus strand): 5'-GACACAAAGCAGTCCACAGTGTTGGGACAAGGCCAGGCGTTGCACTTCACCAGCCGCTGC[A>G]TGGAGAAGCCGTCGTACATGACATAGAAGACGTACATGAAGGCGGCTTCGAAGATGACCC-3'
Protein context (NP_003995.2, residues 153-173): VFYVMYDGFS[Met163Thr]QRLVKCNAWP

ClinVar aggregate classification (germline): Uncertain significance. Review status: reviewed by expert panel (3 of 4 stars). 5 submissions from 5 submitters: Uncertain significance (1). 4 of the submissions do not count toward it. Last evaluated 2024-11-20.

Conditions:
Nonsyndromic genetic hearing loss. Also called: Non-syndromic genetic deafness; Nonsyndromic hearing loss and deafness; Nonsyndromic genetic deafness. Identifiers: Orphanet 87884, MedGen C5680182, MONDO:0019497.
Autosomal recessive nonsyndromic hearing loss 1A (DFNB1A). Also called: Nonsyndromic Hearing Loss and Deafness, DFNB1; GJB6-Related DFNB 1 Nonsyndromic Hearing Loss and Deafness; Deafness, autosomal recessive 1A; GJB2-Related Autosomal Recessive Nonsyndromic Hearing Loss; Connexin 26 deafness; Deafness nonsyndromic, Connexin 26 linked. Identifiers: Orphanet 90636, MedGen C2673759, MONDO:0009076, OMIM 220290.

Allele frequency attached by ClinVar (database versions not stated): gnomAD exomes below 0.00001; TOPMed 0.00001; gnomAD 0.00003.

Submissions (5):

ClinGen Hearing Loss Variant Curation Expert Panel
Classification: Uncertain significance for Nonsyndromic genetic hearing loss. Last evaluated: 2024-11-20. Review status: reviewed by expert panel. Criteria: Clingen Hl Acmg Specifications Cdh23 Coch Gjb2 Kcnq4 Myo6 Myo7a Slc26a4 Tecta Ush2a V2. Collection method: curation. Allele origin: germline. Inheritance: Autosomal recessive inheritance.
Comment: The c.488T>C (p.Met163Thr) variant in GJB2 is a missense variant predicted to cause a substitution of methionine by threonine at amino acid 163. The highest population minor allele frequency in gnomAD v4.1.0 is 0.0000934 (7/74950) in the African/African-American population, which is higher than the threshold defined by the ClinGen Hearing Loss Expert Panel for autosomal recessive hearing loss (<0.007%), and thus does not meet the criterion for PM2. The REVEL computational prediction analysis tool produced a score of 0.981, which is above the threshold necessary to apply PP3. This variant has been detected in individuals diagnosed with hearing loss (PMID: 17666888), but not in the homozygous state nor in compound heterozygosity with a known pathogenic/likely pathogenic GJB2 variant. The one likely pathogenic entry in ClinVar for this variant, was reported in an infant with an alternative genetic diagnosis explaining respiratory distress and pulmonary hypertension in whom the GJB2 variant was reported at clinician request due to a half-sibling diagnosed with childhood-onset hearing loss (PMID: 30755392, SCV000854502.1). In summary, the clinical significance of this variant is uncertain. ACMG/AMP criteria applied, as specified by the Hearing Loss Expert Panel: PP3. (ClinGen Hearing Loss VCEP specifications version 2; 11.20.2024).

Women's Health and Genetics/Laboratory Corporation of America, LabCorp
Classification: Uncertain significance. Last evaluated: 2023-07-07. Review status: criteria provided, single submitter. Criteria: LabCorp Variant Classification Summary - May 2015. Collection method: clinical testing. Allele origin: germline. Not counted in ClinVar's aggregate classification.
Comment: Variant summary: GJB2 c.488T>C (p.Met163Thr) results in a non-conservative amino acid change located in the gap junction protein, cysteine-rich domain (IPR019570) of the encoded protein sequence. Five of five in-silico tools predict a damaging effect of the variant on protein function. The variant was absent in 251140 control chromosomes (gnomAD). The available data on variant occurrences in the general population are insufficient to allow any conclusion about variant significance. c.488T>C has been reported in the literature as an uninformative genotype (i.e. zygosity not specified) in two alleles from a cohort of individuals undergoing genetic testing for autosomal recessive Non-Syndromic Hearing Loss (Putcha_2007). This report does not provide unequivocal conclusions about association of the variant with Non-Syndromic Hearing Loss. To our knowledge, no experimental evidence demonstrating an impact on protein function has been reported. The following publications have been ascertained in the context of this evaluation (PMID: 30755392, 17666888). Three submitters, including the ClinGen Hearing Loss Variant Curation Expert Panel, have cited clinical-significance assessments for this variant to ClinVar after 2014 and all classified the variant as uncertain significance. Based on the evidence outlined above, the variant was classified as uncertain significance.

GeneDx
Classification: Uncertain significance. Last evaluated: 2020-12-28. Review status: criteria provided, single submitter. Criteria: GeneDx Variant Classification Process June 2021. Collection method: clinical testing. Allele origin: germline. Affected: yes. Not counted in ClinVar's aggregate classification.
Comment: Identified in two individuals from a large cohort of patients with hearing loss in published literature (Putcha et al., 2007); In silico analysis supports that this missense variant has a deleterious effect on protein structure/function; This variant is associated with the following publications: (PMID: 17666888, 25388846, 19081147, 30755392)

Center for Personalized Medicine, Children's Hospital Los Angeles
Classification: Likely pathogenic. Last evaluated: 2018-11-19. Review status: criteria provided, single submitter. Criteria: ACMG Guidelines, 2015. Collection method: clinical testing. Allele origin: germline. Affected: yes. Not counted in ClinVar's aggregate classification.

Natera, Inc.
Classification: Uncertain significance for Autosomal recessive deafness type 1A. Last evaluated: 2021-02-12. Review status: no assertion criteria provided. Collection method: clinical testing. Allele origin: germline. Not counted in ClinVar's aggregate classification.

Literature cited by the submitters: PubMed 17666888 (cited by Women's Health and Genetics/Laboratory Corporation of America, LabCorp); PubMed 30755392 (cited by Women's Health and Genetics/Laboratory Corporation of America, LabCorp).